The following is an entry in ClinVar:

ClinVar aggregate classification (germline): Uncertain significance (1 of 4 stars; one submission).

Conditions:
Renal cell carcinoma. Identifiers: Orphanet 217071, MedGen C0007134, MeSH D002292, MONDO:0005086, HP:0005584.

Submission:

Labcorp Genetics (formerly Invitae), Labcorp
Classification: Uncertain significance for Renal cell carcinoma. Last evaluated: 2020-03-18. Review status: criteria provided, single submitter. Criteria: Invitae Variant Classification Sherloc (09022015). Collection method: clinical testing. Allele origin: germline.
Comment: This sequence change replaces glutamic acid with lysine at codon 28 of the MET protein (p.Glu28Lys). The glutamic acid residue is moderately conserved and there is a small physicochemical difference between glutamic acid and lysine. In summary, the available evidence is currently insufficient to determine the role of this variant in disease. Therefore, it has been classified as a Variant of Uncertain Significance. Algorithms developed to predict the effect of missense changes on protein structure and function are either unavailable or do not agree on the potential impact of this missense change (SIFT: "Tolerated"; PolyPhen-2: "Probably Damaging"; Align-GVGD: "Class C0"). This variant has not been reported in the literature in individuals with MET-related disease. This variant is not present in population databases (ExAC no frequency).

NM_000245.4(MET):c.82G>A (p.Glu28Lys)

Gene: MET (MET proto-oncogene, receptor tyrosine kinase; plus strand). Cytogenetic location: 7q31.2.
Variant type: single nucleotide variant.
Coding change: c.82G>A on transcript NM_000245.4 (MANE Select); coding-DNA position 82, G replaced by A.
Protein change: p.Glu28Lys; replaces glutamic acid 28 with lysine.
Molecular consequence: missense variant. On other transcripts: intron variant (1).
Genome position (GRCh38, 1-based): chr7:116,699,166, G>A. VCF-style: chr7-116699166-G-A. GRCh37 (hg19) VCF-style: chr7-116339220-G-A.
Other names: c.82G>A, p.Glu28Lys (NM_001127500.3, NM_001324401.3); c.-91+26589G>A (NM_001324402.2); short protein forms E28K.
Identifiers: ClinVar variation 581052 (VCV000581052.10), dbSNP rs1562882876, ClinGen allele CA368968301.